The following is an entry in ClinVar:

ClinVar aggregate classification (germline): Likely benign (1 of 4 stars; one submission).

gnomAD v4.1: 29 of 1,614,042 alleles (0.0018%); highest among the groups gnomAD compares: African/African-American, 0.011%; no homozygotes.

Submission:

CeGaT Center for Human Genetics Tuebingen
Classification: Likely benign. Last evaluated: 2026-04-01. Review status: criteria provided, single submitter. Criteria: CeGaT Center For Human Genetics Tuebingen Variant Classification Criteria Version 2. Collection method: clinical testing. Allele origin: germline. Affected: yes. Observed: 1 variant allele.
Comment: KDM6B: BP4, BP7

NM_001348716.2(KDM6B):c.396C>T (p.Ser132=)

Gene: KDM6B (lysine demethylase 6B; plus strand). Cytogenetic location: 17p13.1.
Variant type: single nucleotide variant.
Coding change: c.396C>T on transcript NM_001348716.2 (MANE Select); coding-DNA position 396, C replaced by T.
Protein change: p.Ser132=; no amino-acid change (serine 132 retained).
Molecular consequence: synonymous variant.
Genome position (GRCh38, 1-based): chr17:7,846,237, C>T. VCF-style: chr17-7846237-C-T. GRCh37 (hg19) VCF-style: chr17-7749555-C-T.
Other names: c.396C>T, p.Ser132= (NM_001080424.2).
Identifiers: ClinVar variation 4873076 (VCV004873076.2).